The following is an entry in ClinVar:

NM_212482.4(FN1):c.1937G>C (p.Arg646Thr)

Gene: FN1 (fibronectin 1; minus strand). Cytogenetic location: 2q35.
Variant type: single nucleotide variant.
Coding change: c.1937G>C on transcript NM_212482.4 (MANE Select); coding-DNA position 1937, G replaced by C.
Protein change: p.Arg646Thr; replaces arginine 646 with threonine.
Molecular consequence: missense variant.
Genome position (GRCh38, 1-based): chr2:215,414,841, C>G on the plus strand (G>C on the coding strand, the complement: FN1 is on the minus strand). VCF-style: chr2-215414841-C-G. GRCh37 (hg19) VCF-style: chr2-216279564-C-G.
Other names: c.1937G>C, p.Arg646Thr (NM_001306129.2, NM_001306130.2, NM_001306131.2 and 14 more transcripts); short protein forms R646T.
Identifiers: ClinVar variation 3095941 (VCV003095941.4), dbSNP rs2063218064, ClinGen allele CA350465298.

ClinVar aggregate classification (germline): Uncertain significance. Review status: criteria provided, multiple submitters, no conflicts (2 of 4 stars). 3 submissions from 3 submitters: Uncertain significance (3). Last evaluated 2024-11-28.

Conditions:
Glomerulopathy with fibronectin deposits 2 (GFND2). Identifiers: Orphanet 84090, MedGen C1866075, MONDO:0011165, OMIM 601894.
Spondylometaphyseal dysplasia - Sutcliffe type. Also called: Sutcliffe type of spondylometaphyseal dysplasia; Sutcliffe SMD; Spondylometaphyseal Dysplasia, Corner Fracture Type; Spondylometaphyseal dysplasia, 'corner fracture' type. Identifiers: Orphanet 93315, MedGen C0432221, MONDO:0008479, OMIM 184255.
Inborn genetic diseases. Identifiers: MedGen C0950123, MeSH D030342.

Submissions (3):

Labcorp Genetics (formerly Invitae), Labcorp
Classification: Uncertain significance. Last evaluated: 2024-11-28. Review status: criteria provided, single submitter. Criteria: Invitae Variant Classification Sherloc (09022015). Collection method: clinical testing. Allele origin: germline.
Comment: This sequence change replaces arginine, which is basic and polar, with threonine, which is neutral and polar, at codon 646 of the FN1 protein (p.Arg646Thr). This variant is not present in population databases (gnomAD no frequency). This variant has not been reported in the literature in individuals affected with FN1-related conditions. ClinVar contains an entry for this variant (Variation ID: 3095941). An algorithm developed to predict the effect of missense changes on protein structure and function (PolyPhen-2) suggests that this variant is likely to be tolerated. In summary, the available evidence is currently insufficient to determine the role of this variant in disease. Therefore, it has been classified as a Variant of Uncertain Significance.

Fulgent Genetics
Classification: Uncertain significance for Spondylometaphyseal dysplasia - Sutcliffe type; Glomerulopathy with fibronectin deposits 2. Last evaluated: 2024-04-02. Review status: criteria provided, single submitter. Criteria: ACMG Guidelines, 2015. Collection method: clinical testing. Allele origin: germline.

Ambry Genetics
Classification: Uncertain significance for Inborn genetic diseases. Last evaluated: 2024-01-04. Review status: criteria provided, single submitter. Criteria: Ambry Variant Classification Scheme 2023. Collection method: clinical testing. Allele origin: germline.